The following is an entry in ClinVar:

NM_006766.5(KAT6A):c.1460A>G (p.Asp487Gly)

Gene: KAT6A (lysine acetyltransferase 6A; minus strand). Cytogenetic location: 8p11.21.
Variant type: single nucleotide variant.
Coding change: c.1460A>G on transcript NM_006766.5 (MANE Select); coding-DNA position 1460, A replaced by G.
Protein change: p.Asp487Gly; replaces aspartic acid 487 with glycine.
Molecular consequence: missense variant.
Genome position (GRCh38, 1-based): chr8:41,974,726, T>C on the plus strand (A>G on the coding strand, the complement: KAT6A is on the minus strand). VCF-style: chr8-41974726-T-C. GRCh37 (hg19) VCF-style: chr8-41832244-T-C.
Other names: c.1460A>G, p.Asp487Gly (NM_001305878.2); short protein forms D487G.
Identifiers: ClinVar variation 4992954 (VCV004992954.1).

ClinVar aggregate classification (germline): Uncertain significance (1 of 4 stars; one submission).

Conditions:
KAT6A-related disorder. Also called: KAT6A-related condition.

gnomAD v4.1: 2 of 1,608,956 alleles (0.00012%); highest among the groups gnomAD compares: Non-Finnish European, 0.000085%; no homozygotes.

Submission:

PreventionGenetics, part of Exact Sciences
Classification: Uncertain significance for KAT6A-related condition. Last evaluated: 2026-03-11. Review status: criteria provided, single submitter. Criteria: ACMG Guidelines, 2015. Collection method: clinical testing. Allele origin: germline.
Comment: The KAT6A c.1460A>G variant is predicted to result in the amino acid substitution p.Asp487Gly. To our knowledge, this variant has not been reported in the literature. This variant is reported in 0.0018% of alleles in individuals of European (non-Finnish) descent in gnomAD. At this time, the clinical significance of this variant is uncertain due to the absence of conclusive functional and genetic evidence.